The following is an entry in ClinVar:

ClinVar aggregate classification (germline): Uncertain significance (1 of 4 stars; one submission).

Conditions:
Developmental and epileptic encephalopathy, 23 (DEE23). Also called: Epileptic encephalopathy, early infantile, 23. Identifiers: Orphanet 411986, MedGen C4014492, MONDO:0014371, OMIM 615859.

Allele frequency attached by ClinVar (database versions not stated): gnomAD exomes below 0.00001.
gnomAD v4.1: 1 of 1,605,770 alleles (0.000062%); highest among the groups gnomAD compares: African/African-American, 0.0013%; no homozygotes.

Submission:

Labcorp Genetics (formerly Invitae), Labcorp
Classification: Uncertain significance for Developmental and epileptic encephalopathy, 23. Last evaluated: 2022-02-05. Review status: criteria provided, single submitter. Criteria: Invitae Variant Classification Sherloc (09022015). Collection method: clinical testing. Allele origin: germline.
Comment: In summary, the available evidence is currently insufficient to determine the role of this variant in disease. Therefore, it has been classified as a Variant of Uncertain Significance. Algorithms developed to predict the effect of sequence changes on RNA splicing suggest that this variant may disrupt the consensus splice site. ClinVar contains an entry for this variant (Variation ID: 1018584). This variant has not been reported in the literature in individuals affected with DOCK7-related conditions. This variant is not present in population databases (gnomAD no frequency). This sequence change affects codon 865 of the DOCK7 mRNA. It is a 'silent' change, meaning that it does not change the encoded amino acid sequence of the DOCK7 protein. It affects a nucleotide within the consensus splice site.

NM_001367561.1(DOCK7):c.2595A>G (p.Pro865=)

Gene: DOCK7 (dedicator of cytokinesis 7; minus strand). Cytogenetic location: 1p31.3.
Variant type: single nucleotide variant.
Coding change: c.2595A>G on transcript NM_001367561.1 (MANE Select); coding-DNA position 2595, A replaced by G.
Protein change: p.Pro865=; no amino-acid change (proline 865 retained).
Molecular consequence: synonymous variant.
Genome position (GRCh38, 1-based): chr1:62,555,826, T>C on the plus strand (A>G on the coding strand, the complement: DOCK7 is on the minus strand). VCF-style: chr1-62555826-T-C. GRCh37 (hg19) VCF-style: chr1-63021497-T-C.
Other names: c.2595A>G, p.Pro865= (NM_001271999.2, NM_001272000.2, NM_001272001.2 and 2 more transcripts).
Identifiers: ClinVar variation 1018584 (VCV001018584.11), dbSNP rs1646123525, ClinGen allele CA418006853.